The following is an entry in ClinVar:

NM_001848.3(COL6A1):c.1822+45C>G

Gene: COL6A1 (collagen type VI alpha 1 chain; plus strand). Cytogenetic location: 21q22.3.
Variant type: single nucleotide variant.
Coding change: c.1822+45C>G on transcript NM_001848.3 (MANE Select); 45 bases into the intron after coding-DNA position 1822, C replaced by G.
Molecular consequence: intron variant.
Genome position (GRCh38, 1-based): chr21:46,000,812, C>G. VCF-style: chr21-46000812-C-G. GRCh37 (hg19) VCF-style: chr21-47420726-C-G.
Identifiers: ClinVar variation 93832 (VCV000093832.8), dbSNP rs7276098, ClinGen allele CA147346.
Genomic context (GRCh38, chr21:46,000,812, plus strand): 5'-TCCTCAGCTTGCTGTGGTGAGACCCAGGCTCTAGCTCCTGAGAGAATGGATCCCGGGGGT[C>G]GGGGAGCGAGGCCTGGGTCCCACACATGTCACAGGACAGCACATGGCACTCTGGTCCCCG-3'

ClinVar aggregate classification (germline): Benign. Review status: criteria provided, multiple submitters, no conflicts (2 of 4 stars). 4 submissions from 4 submitters: Benign (4). Last evaluated 2018-06-14.

Allele frequency attached by ClinVar (database versions not stated): TOPMed 0.87532; 1000 Genomes Project 30x 0.83292; 1000 Genomes Project 0.83027; ESP Exome Variant Server 0.86668.

Submissions (5):

GeneDx
Classification: Benign. Last evaluated: 2018-06-14. Review status: criteria provided, single submitter. Criteria: GeneDx Variant Classification (06012015). Collection method: clinical testing. Allele origin: germline. Affected: yes.
Comment: This variant is considered likely benign or benign based on one or more of the following criteria: it is a conservative change, it occurs at a poorly conserved position in the protein, it is predicted to be benign by multiple in silico algorithms, and/or has population frequency not consistent with disease.

Eurofins Ntd Llc (ga)
Classification: Benign. Last evaluated: 2012-08-24. Review status: criteria provided, single submitter. Criteria: EGL Classification Definitions 2015. Collection method: clinical testing. Allele origin: germline. Observed: 53 variant alleles, 9 heterozygotes, 44 homozygotes.

Breakthrough Genomics
Classification: Benign. Review status: criteria provided, single submitter. Criteria: ACMG Guidelines, 2015. Collection method: not provided. Allele origin: germline. Inheritance: Autosomal recessive inheritance. Affected: yes.

PreventionGenetics, part of Exact Sciences
Classification: Benign. Review status: criteria provided, single submitter. Criteria: ACMG Guidelines, 2015. Collection method: clinical testing. Allele origin: germline.

Dr. Peter K. Rogan Lab, Western University
No classification provided (evidence only). Condition: Hepatocellular carcinoma. Review status: no classification provided. Collection method: in vitro. Allele origin: not applicable. Functional consequence: retained intron. Not counted in ClinVar's aggregate classification.